The following is an entry in ClinVar:

ClinVar aggregate classification (germline): Conflicting classifications of pathogenicity. Review status: criteria provided, conflicting classifications (1 of 4 stars). 11 submissions from 10 submitters: Uncertain significance (5); Benign (2); Likely benign (2). 2 of the submissions do not count toward it. Last evaluated 2026-02-04.

Conditions:
CDH23-related disorder. Also called: CDH23-related condition; CDH23-related disorders.
Usher syndrome type 1D (USH1D). Also called: USHER SYNDROME, TYPE ID. Identifiers: Orphanet 231169, Orphanet 886, MedGen C1832845, MONDO:0010984, OMIM 601067.
Autosomal recessive nonsyndromic hearing loss 12. Also called: DEAFNESS, AUTOSOMAL RECESSIVE 12. Identifiers: Orphanet 90636, MedGen C1832394, MONDO:0011067, OMIM 601386.
Hearing loss, autosomal recessive. Also called: Rare autosomal recessive non-syndromic sensorineural deafness type DFNB; Autosomal recessive nonsyndromic deafness; Nonsyndromic Hearing Loss, Recessive; Deafness, autosomal recessive. Identifiers: Orphanet 90635, Orphanet 90636, MedGen C1846647, MONDO:0019588, OMIM 607197.

Allele frequency attached by ClinVar (database versions not stated): ESP Exome Variant Server 0.00024; gnomAD 0.00025; TOPMed 0.00025; 1000 Genomes Project 30x 0.00078; ExAC 0.00094; 1000 Genomes Project 0.00100.
gnomAD v4.1: 827 of 1,613,534 alleles (0.051%); highest among the groups gnomAD compares: South Asian, 0.45%; 3 homozygotes.

Submissions (11):

Labcorp Genetics (formerly Invitae), Labcorp
Classification: Benign. Last evaluated: 2026-02-04. Review status: criteria provided, single submitter. Criteria: Invitae Variant Classification Sherloc (09022015). Collection method: clinical testing. Allele origin: germline.

Blueprint Genetics
Classification: Likely benign. Last evaluated: 2024-10-28. Review status: criteria provided, single submitter. Criteria: ACMG Guidelines, 2015. Collection method: clinical testing. Allele origin: germline.

CeGaT Center for Human Genetics Tuebingen
Classification: Likely benign. Last evaluated: 2023-08-01. Review status: criteria provided, single submitter. Criteria: CeGaT Center For Human Genetics Tuebingen Variant Classification Criteria Version 2. Collection method: clinical testing. Allele origin: germline. Affected: yes. Observed: 1 variant allele.
Comment: CDH23: BP4, BS2

Revvity Omics, Revvity
Classification: Uncertain significance. Last evaluated: 2021-06-22. Review status: criteria provided, single submitter. Criteria: ACMG Guidelines, 2015. Collection method: clinical testing. Allele origin: germline.

Genome-Nilou Lab
Classification: Uncertain significance for Usher syndrome type 1D. Last evaluated: 2021-05-18. Review status: criteria provided, single submitter. Criteria: ACMG Guidelines, 2015. Collection method: clinical testing. Allele origin: germline. Affected: no.

GeneDx
Classification: Benign. Last evaluated: 2019-12-06. Review status: criteria provided, single submitter. Criteria: GeneDx Variant Classification Process June 2021. Collection method: clinical testing. Allele origin: germline. Affected: yes.
Comment: This variant is associated with the following publications: (PMID: 30303587, 23804846)

Illumina Laboratory Services, Illumina
Classification: Uncertain significance for Autosomal recessive nonsyndromic hearing loss 12. Last evaluated: 2018-01-13. Review status: criteria provided, single submitter. Criteria: ICSL Variant Classification Criteria 13 December 2019. Collection method: clinical testing. Allele origin: germline.

Illumina Laboratory Services, Illumina
Classification: Uncertain significance for Usher syndrome type 1D. Last evaluated: 2018-01-13. Review status: criteria provided, single submitter. Criteria: ICSL Variant Classification Criteria 13 December 2019. Collection method: clinical testing. Allele origin: germline.

Laboratory for Molecular Medicine, Mass General Brigham Personalized Medicine
Classification: Uncertain significance. Last evaluated: 2014-02-10. Review status: criteria provided, single submitter. Criteria: LMM Criteria. Collection method: clinical testing. Allele origin: germline. Observed: 1 variant allele.
Comment: Variant classified as Uncertain Significance - Favor Benign. The Ala1631Val vari ant in CDH23 has been reported in one individual with hearing loss; however, thi s individual did not have a second variant in the CDH23 gene (Shearer 2013). Thi s variant was also identified in 0.04% (3/8432) of European American chromosomes by the NHLBI Exome Sequencing Project. The alanine (Ala) residue at position 1631 is not conserved across several species w ith Gorilla having valine (Val) at this position, suggesting that the variant ma y be tolerated. However, this information is not sufficient to rule out pathogen icity. In summary, the clinical significance of this variant cannot be determine d with certainty; however based upon the conservation data, we would lean toward s a more likely benign role.

PreventionGenetics, part of Exact Sciences
Classification: Likely benign for CDH23-related condition. Last evaluated: 2023-08-10. Review status: no assertion criteria provided. Collection method: clinical testing. Allele origin: germline. Not counted in ClinVar's aggregate classification.
Comment: This variant is classified as likely benign based on ACMG/AMP sequence variant interpretation guidelines (Richards et al. 2015 PMID: 25741868, with internal and published modifications).

University of Washington Center for Mendelian Genomics, University of Washington
Classification: Likely pathogenic for non-syndromic autosomal recessive hearing loss. Review status: flagged submission. Collection method: research. Allele origin: inherited. Affected: yes. Not counted in ClinVar's aggregate classification.
ClinVar note: Reason: Outlier claim with insufficient supporting evidence

Literature cited by the submitters: PubMed 23804846 (cited by Laboratory for Molecular Medicine, Mass General Brigham Personalized Medicine); PubMed 30303587 (cited by University of Washington Center for Mendelian Genomics, University of Washington).

NM_022124.6(CDH23):c.4892C>T (p.Ala1631Val)

Gene: CDH23 (cadherin related 23; plus strand). Cytogenetic location: 10q22.1.
Variant type: single nucleotide variant.
Coding change: c.4892C>T on transcript NM_022124.6 (MANE Select); coding-DNA position 4892, C replaced by T.
Protein change: p.Ala1631Val; replaces alanine 1631 with valine.
Molecular consequence: missense variant.
Genome position (GRCh38, 1-based): chr10:71,777,726, C>T. VCF-style: chr10-71777726-C-T. GRCh37 (hg19) VCF-style: chr10-73537483-C-T.
Other names: short protein forms A1631V.
Identifiers: ClinVar variation 178305 (VCV000178305.53), dbSNP rs370762269, ClinGen allele CA182075.